The following is an entry in ClinVar:

ClinVar aggregate classification (germline): Uncertain significance (1 of 4 stars; one submission).

Submission:

Labcorp Genetics (formerly Invitae), Labcorp
Classification: Uncertain significance. Last evaluated: 2023-10-04. Review status: criteria provided, single submitter. Criteria: Invitae Variant Classification Sherloc (09022015). Collection method: clinical testing. Allele origin: germline.
Comment: This sequence change falls in intron 8 of the ERCC2 gene. It does not directly change the encoded amino acid sequence of the ERCC2 protein. It affects a nucleotide within the consensus splice site. This variant is not present in population databases (gnomAD no frequency). This variant has not been reported in the literature in individuals affected with ERCC2-related conditions. Variants that disrupt the consensus splice site are a relatively common cause of aberrant splicing (PMID: 17576681, 9536098). Algorithms developed to predict the effect of sequence changes on RNA splicing suggest that this variant is not likely to affect RNA splicing. In summary, the available evidence is currently insufficient to determine the role of this variant in disease. Therefore, it has been classified as a Variant of Uncertain Significance.

Literature cited by the submitters: PubMed 17576681; PubMed 9536098.

NM_000400.4(ERCC2):c.719-3C>T

Gene: ERCC2 (ERCC excision repair 2, TFIIH core complex helicase subunit; minus strand). Cytogenetic location: 19q13.32.
Variant type: single nucleotide variant.
Coding change: c.719-3C>T on transcript NM_000400.4 (MANE Select); 3 bases into the intron before coding-DNA position 719, C replaced by T.
Molecular consequence: intron variant.
Genome position (GRCh38, 1-based): chr19:45,364,334, G>A on the plus strand (C>T on the coding strand, the complement: ERCC2 is on the minus strand). VCF-style: chr19-45364334-G-A. GRCh37 (hg19) VCF-style: chr19-45867592-G-A.
Other names: c.647-3C>T (NM_001130867.2).
Identifiers: ClinVar variation 2750725 (VCV002750725.3), dbSNP rs2514031298, ClinGen allele CA2697556627.